The following is an entry in ClinVar:

NM_015338.6(ASXL1):c.3203G>A (p.Arg1068Gln)

Gene: ASXL1 (ASXL transcriptional regulator 1; plus strand). Cytogenetic location: 20q11.21.
Variant type: single nucleotide variant.
Coding change: c.3203G>A on transcript NM_015338.6 (MANE Select); coding-DNA position 3203, G replaced by A.
Protein change: p.Arg1068Gln; replaces arginine 1068 with glutamine.
Molecular consequence: missense variant.
Genome position (GRCh38, 1-based): chr20:32,435,915, G>A. VCF-style: chr20-32435915-G-A. GRCh37 (hg19) VCF-style: chr20-31023718-G-A.
Other names: c.3020G>A, p.Arg1007Gln (NM_001363734.1); short protein forms R1068Q, R1007Q.
Identifiers: ClinVar variation 1998937 (VCV001998937.4), dbSNP rs752058283, ClinGen allele CA9808775.

ClinVar aggregate classification (germline): Uncertain significance (1 of 4 stars; one submission).

Allele frequency attached by ClinVar (database versions not stated): gnomAD exomes below 0.00001; gnomAD 0.00001; ExAC 0.00002.
gnomAD v4.1: 8 of 1,614,080 alleles (0.0005%); highest among the groups gnomAD compares: Middle Eastern, 0.033%; no homozygotes.

Submission:

Labcorp Genetics (formerly Invitae), Labcorp
Classification: Uncertain significance. Last evaluated: 2024-08-09. Review status: criteria provided, single submitter. Criteria: Invitae Variant Classification Sherloc (09022015). Collection method: clinical testing. Allele origin: germline.
Comment: This sequence change replaces arginine, which is basic and polar, with glutamine, which is neutral and polar, at codon 1068 of the ASXL1 protein (p.Arg1068Gln). This variant is present in population databases (rs752058283, gnomAD 0.003%). This variant has not been reported in the literature in individuals affected with ASXL1-related conditions. ClinVar contains an entry for this variant (Variation ID: 1998937). An algorithm developed to predict the effect of missense changes on protein structure and function (PolyPhen-2) suggests that this variant is likely to be tolerated. In summary, the available evidence is currently insufficient to determine the role of this variant in disease. Therefore, it has been classified as a Variant of Uncertain Significance.